The following is an entry in ClinVar:

ClinVar aggregate classification (germline): Conflicting classifications of pathogenicity. Review status: criteria provided, conflicting classifications (1 of 4 stars). 2 submissions from 2 submitters: Likely pathogenic (1); Uncertain significance (1). Last evaluated 2024-12-05.

Conditions:
Sulfite oxidase deficiency. Also called: Isolated sulfite oxidase deficiency. Identifiers: Orphanet 833, Orphanet 99731, MedGen C0268624, MONDO:0010089, OMIM 272300, HP:0003643.

Submissions (2):

Labcorp Genetics (formerly Invitae), Labcorp
Classification: Likely pathogenic for Sulfite oxidase deficiency. Last evaluated: 2024-12-05. Review status: criteria provided, single submitter. Criteria: Invitae Variant Classification Sherloc (09022015). Collection method: clinical testing. Allele origin: germline.
Comment: This sequence change replaces arginine, which is basic and polar, with glutamine, which is neutral and polar, at codon 268 of the SUOX protein (p.Arg268Gln). This variant is present in population databases (no rsID available, gnomAD 0.0009%). This missense change has been observed in individual(s) with sulfite oxidase deficiency (PMID: 12112661). This variant is also known as c.632G>A (p.R211Q). Invitae Evidence Modeling of protein sequence and biophysical properties (such as structural, functional, and spatial information, amino acid conservation, physicochemical variation, residue mobility, and thermodynamic stability) indicates that this missense variant is expected to disrupt SUOX protein function with a positive predictive value of 95%. In summary, the currently available evidence indicates that the variant is pathogenic, but additional data are needed to prove that conclusively. Therefore, this variant has been classified as Likely Pathogenic.

Blueprint Genetics
Classification: Uncertain significance. Last evaluated: 2023-10-03. Review status: criteria provided, single submitter. Criteria: ACMG Guidelines, 2015. Collection method: clinical testing. Allele origin: germline.

Literature cited by the submitters: PubMed 12112661 (cited by Labcorp Genetics (formerly Invitae), Labcorp).

NM_001032386.2(SUOX):c.803G>A (p.Arg268Gln)

Gene: SUOX (sulfite oxidase; plus strand). Cytogenetic location: 12q13.2.
Variant type: single nucleotide variant.
Coding change: c.803G>A on transcript NM_001032386.2 (MANE Select); coding-DNA position 803, G replaced by A.
Protein change: p.Arg268Gln; replaces arginine 268 with glutamine.
Molecular consequence: missense variant.
Genome position (GRCh38, 1-based): chr12:56,004,192, G>A. VCF-style: chr12-56004192-G-A. GRCh37 (hg19) VCF-style: chr12-56397976-G-A.
Other names: c.803G>A, p.Arg268Gln (NM_000456.3, NM_001032387.2); short protein forms R268Q.
Identifiers: ClinVar variation 3719791 (VCV003719791.3).